The following is an entry in ClinVar:

ClinVar aggregate classification (germline): Uncertain significance. Review status: criteria provided, multiple submitters, no conflicts (2 of 4 stars). 4 submissions from 4 submitters: Uncertain significance (4). Last evaluated 2026-08-20.

Conditions:
SCLT1-related disorder. Also called: SCLT1-related condition.

Allele frequency attached by ClinVar (database versions not stated): ESP Exome Variant Server 0.00015; gnomAD 0.00024 and 0.00027; 1000 Genomes Project 0.00120; 1000 Genomes Project 30x 0.00203.

Submissions (4):

PreventionGenetics, part of Exact Sciences
Classification: Uncertain significance for SCLT1-related condition. Last evaluated: 2026-08-20. Review status: criteria provided, single submitter. Criteria: ACMG Guidelines, 2015. Collection method: clinical testing. Allele origin: germline.
Comment: The SCLT1 c.1843C>G variant is predicted to result in the amino acid substitution p.Arg615Gly. To our knowledge, this variant has not been reported in the literature. This variant is reported in 0.076% of alleles in individuals of African descent in gnomAD, which may be too common to be an undocumented primary cause of disease. Although we suspect that this variant may be benign, at this time, the clinical significance of this variant is uncertain due to the absence of conclusive functional and genetic evidence.

Ambry Genetics
Classification: Uncertain significance. Last evaluated: 2025-08-08. Review status: criteria provided, single submitter. Criteria: Ambry Variant Classification Scheme 2023. Collection method: clinical testing. Allele origin: germline.

Labcorp Genetics (formerly Invitae), Labcorp
Classification: Uncertain significance. Last evaluated: 2024-11-05. Review status: criteria provided, single submitter. Criteria: Invitae Variant Classification Sherloc (09022015). Collection method: clinical testing. Allele origin: germline.
Comment: This sequence change replaces arginine, which is basic and polar, with glycine, which is neutral and non-polar, at codon 615 of the SCLT1 protein (p.Arg615Gly). This variant is present in population databases (rs115634955, gnomAD 0.08%). This variant has not been reported in the literature in individuals affected with SCLT1-related conditions. ClinVar contains an entry for this variant (Variation ID: 1377302). An algorithm developed to predict the effect of missense changes on protein structure and function (PolyPhen-2) suggests that this variant is likely to be disruptive. In summary, the available evidence is currently insufficient to determine the role of this variant in disease. Therefore, it has been classified as a Variant of Uncertain Significance.

Blueprint Genetics
Classification: Uncertain significance. Last evaluated: 2024-03-26. Review status: criteria provided, single submitter. Criteria: ACMG Guidelines, 2015. Collection method: clinical testing. Allele origin: germline.

NM_144643.4(SCLT1):c.1843C>G (p.Arg615Gly)

Gene: SCLT1 (sodium channel and clathrin linker 1; minus strand). Cytogenetic location: 4q28.2.
Variant type: single nucleotide variant.
Coding change: c.1843C>G on transcript NM_144643.4 (MANE Select); coding-DNA position 1843, C replaced by G.
Protein change: p.Arg615Gly; replaces arginine 615 with glycine.
Molecular consequence: missense variant.
Genome position (GRCh38, 1-based): chr4:128,891,124, G>C on the plus strand (C>G on the coding strand, the complement: SCLT1 is on the minus strand). VCF-style: chr4-128891124-G-C. GRCh37 (hg19) VCF-style: chr4-129812279-G-C.
Other names: c.1843C>G (NM_144643.2, NM_144643.3); short protein forms R615G.
Identifiers: ClinVar variation 1377302 (VCV001377302.8), dbSNP rs115634955, ClinGen allele CA3079498.
Genomic context (GRCh38, chr4:128,891,124, plus strand): 5'-CTACCTTTTCATTTGCCATTTCCAGCTGAGAAAGCAGCTCTTGGGTATGAAGTTTCTGTC[G>C]ACTCAGCTCACTCCTATTAAGAGCACCAAAAAATCCATTAATATAATTGTTCCAAATAGA-3'
Protein context (NP_653244.2, residues 605-625): RINNLKSELS[Arg615Gly]QKLHTQELLS